The following is an entry in ClinVar:

NM_001355436.2(SPTB):c.561_566+8del

Gene: SPTB (spectrin beta, erythrocytic; minus strand). Cytogenetic location: 14q23.3.
Variant type: Deletion.
Coding change: c.561_566+8del on transcript NM_001355436.2 (MANE Select); coding-DNA position 561 through 8 bases into the intron after coding-DNA position 566, 14 bases deleted (GGCAGGGTATGCCC).
Molecular consequence: splice donor variant.
Genome position (GRCh38, 1-based): chr14:64,802,218-64,802,231, GGGCATACCCTGCC deleted on the plus strand (GGCAGGGTATGCCC on the coding strand, the reverse complement: SPTB is on the minus strand); deleting any 14 consecutive bases within chr14:64,802,218-64,802,232 gives the same sequence; the c. name uses the placement nearest the transcript's 3' end. VCF-style (leftmost placement, unchanged base first): chr14-64802217-AGGGCATACCCTGCC-A. GRCh37 (hg19) VCF-style: chr14-65268935-AGGGCATACCCTGCC-A.
Other names: c.561_566+8del (NM_001024858.4, NM_001355437.2).
Identifiers: ClinVar variation 4996697 (VCV004996697.1).

ClinVar aggregate classification (germline): Likely pathogenic (1 of 4 stars; one submission).

Conditions:
SPTB-related disorder. Also called: SPTB-Related Disorders; SPTB-related condition.

Submission:

PreventionGenetics, part of Exact Sciences
Classification: Likely pathogenic for SPTB-related condition. Last evaluated: 2025-09-07. Review status: criteria provided, single submitter. Criteria: ACMG Guidelines, 2015. Collection method: clinical testing. Allele origin: germline.
Comment: The SPTB c.561_566+8del14 variant is predicted to result in a deletion affecting a canonical splice site. This variant is predicted to alter splicing based on available splicing prediction software (SpliceAI, Jaganathan et al. 2019. PubMed ID: 30661751). To our knowledge, this variant has not been reported in the literature or in a large population database (gnomAD), indicating this variant is rare. Other variants disrupting this consensus splice donor site in SPTB have been reported in individuals with spherocytosis (Dhermy et al. 1998. PubMed ID: 9714702; Fan et al. 2021. PubMed ID: 34140613; Wang et al. 2020. PubMed ID: 33014018). This variant is interpreted as likely pathogenic.